The following is an entry in ClinVar:

NM_207122.2(EXT2):c.1250G>C (p.Arg417Pro)

Gene: EXT2 (exostosin glycosyltransferase 2; plus strand). Cytogenetic location: 11p11.2.
Variant type: single nucleotide variant.
Coding change: c.1250G>C on transcript NM_207122.2 (MANE Select); coding-DNA position 1250, G replaced by C.
Protein change: p.Arg417Pro; replaces arginine 417 with proline.
Molecular consequence: missense variant.
Genome position (GRCh38, 1-based): chr11:44,171,687, G>C. VCF-style: chr11-44171687-G-C. GRCh37 (hg19) VCF-style: chr11-44193237-G-C.
Other names: c.1349G>C, p.Arg450Pro (NM_000401.3); c.1280G>C, p.Arg427Pro (NM_001178083.3); c.1250G>C, p.Arg417Pro (NM_001389628.1, NM_001389630.1); short protein forms R417P, R427P, R450P.
Identifiers: ClinVar variation 4685067 (VCV004685067.1).

ClinVar aggregate classification (germline): Uncertain significance (1 of 4 stars; one submission).

Submission:

GeneDx
Classification: Uncertain significance. Last evaluated: 2025-07-06. Review status: criteria provided, single submitter. Criteria: GeneDx Variant Classification Process June 2021. Collection method: clinical testing. Allele origin: germline. Affected: yes.
Comment: Reported in a proband with multiple osteochondromas, but detailed clinical information and familial segregation information were not provided (PMID: 18165274); Reported in two individuals with skin or bladder cancer from a large biobank study, but detailed clinical information was not provided (PMID: 32778766); Not observed at significant frequency in large population cohorts (gnomAD); In silico analysis supports that this missense variant has a deleterious effect on protein structure/function; This variant is associated with the following publications: (PMID: 32778766, 30730578, 18165274)